The following is an entry in ClinVar:

ClinVar aggregate classification (germline): Uncertain significance (1 of 4 stars; one submission).

Conditions:
Hereditary cancer-predisposing syndrome. Also called: Tumor predisposition; Neoplastic Syndromes, Hereditary; Hereditary Cancer Syndrome; Hereditary neoplastic syndrome. Identifiers: Orphanet 140162, MedGen C0027672, MeSH D009386, MONDO:0015356.

Submission:

Ambry Genetics
Classification: Uncertain significance for Hereditary cancer-predisposing syndrome. Last evaluated: 2024-11-17. Review status: criteria provided, single submitter. Criteria: Ambry Variant Classification Scheme 2023. Collection method: clinical testing. Allele origin: germline.
Comment: The p.V212E variant (also known as c.635T>A), located in coding exon 6 of the EPCAM gene, results from a T to A substitution at nucleotide position 635. The valine at codon 212 is replaced by glutamic acid, an amino acid with dissimilar properties. This amino acid position is conserved. In addition, this alteration is predicted to be deleterious by in silico analysis. Based on the available evidence, the clinical significance of this variant remains unclear.

NM_002354.3(EPCAM):c.635T>A (p.Val212Glu)

Gene: EPCAM (epithelial cell adhesion molecule; plus strand). Cytogenetic location: 2p21.
Variant type: single nucleotide variant.
Coding change: c.635T>A on transcript NM_002354.3 (MANE Select); coding-DNA position 635, T replaced by A.
Protein change: p.Val212Glu; replaces valine 212 with glutamic acid.
Molecular consequence: missense variant.
Genome position (GRCh38, 1-based): chr2:47,379,032, T>A. VCF-style: chr2-47379032-T-A. GRCh37 (hg19) VCF-style: chr2-47606171-T-A.
Other names: short protein forms V212E.
Identifiers: ClinVar variation 3509199 (VCV003509199.1).